The following is an entry in ClinVar:

ClinVar aggregate classification (germline): Uncertain significance (1 of 4 stars; one submission).

Conditions:
RYR1-related disorder. Also called: RYR1-related condition; RYR1-related disorders. Identifiers: MedGen CN239331.

Submission:

Labcorp Genetics (formerly Invitae), Labcorp
Classification: Uncertain significance for RYR1-related disorder. Last evaluated: 2025-08-13. Review status: criteria provided, single submitter. Criteria: Invitae Variant Classification Sherloc (09022015). Collection method: clinical testing. Allele origin: germline.
Comment: This sequence change replaces glycine, which is neutral and non-polar, with valine, which is neutral and non-polar, at codon 531 of the RYR1 protein (p.Gly531Val). This variant is not present in population databases (gnomAD no frequency). This variant has not been reported in the literature in individuals affected with RYR1-related conditions. Invitae Evidence Modeling of protein sequence and biophysical properties (such as structural, functional, and spatial information, amino acid conservation, physicochemical variation, residue mobility, and thermodynamic stability) indicates that this missense variant is expected to disrupt RYR1 protein function with a positive predictive value of 95%. In summary, the available evidence is currently insufficient to determine the role of this variant in disease. Therefore, it has been classified as a Variant of Uncertain Significance.

NM_000540.3(RYR1):c.1592G>T (p.Gly531Val)

Gene: RYR1 (ryanodine receptor 1; plus strand). Cytogenetic location: 19q13.2.
Variant type: single nucleotide variant.
Coding change: c.1592G>T on transcript NM_000540.3 (MANE Select); coding-DNA position 1592, G replaced by T.
Protein change: p.Gly531Val; replaces glycine 531 with valine.
Molecular consequence: missense variant.
Genome position (GRCh38, 1-based): chr19:38,455,466, G>T. VCF-style: chr19-38455466-G-T. GRCh37 (hg19) VCF-style: chr19-38946106-G-T.
Other names: c.1592G>T, p.Gly531Val (NM_001042723.2); short protein forms G531V.
Identifiers: ClinVar variation 4774234 (VCV004774234.1).
Genomic context (GRCh38, chr19:38,455,466, plus strand): 5'-CCAGATCCCCAGTCCTATTGGATCTGACACCTCTTCCCCCCTCAGCTTCTCTAATCCGTG[G>T]CAATCGTAGCAACTGTGCCCTCTTCTCCACAAACTTGGACTGGCTGGTCAGCAAGCTGGA-3'
Protein context (NP_000531.2, residues 521-541): LYELLASLIR[Gly531Val]NRSNCALFST